The following is an entry in ClinVar:

NM_001557.4(CXCR2):c.244G>A (p.Val82Ile)

Gene: CXCR2 (C-X-C motif chemokine receptor 2; plus strand). Cytogenetic location: 2q35.
Variant type: single nucleotide variant.
Coding change: c.244G>A on transcript NM_001557.4 (MANE Select); coding-DNA position 244, G replaced by A.
Protein change: p.Val82Ile; replaces valine 82 with isoleucine.
Molecular consequence: missense variant.
Genome position (GRCh38, 1-based): chr2:218,135,045, G>A. VCF-style: chr2-218135045-G-A. GRCh37 (hg19) VCF-style: chr2-218999768-G-A.
Other names: c.244G>A, p.Val82Ile (NM_001168298.2); short protein forms V82I.
Identifiers: ClinVar variation 1415798 (VCV001415798.5), dbSNP rs201754155, ClinGen allele CA2101673.
Genomic context (GRCh38, chr2:218,135,045, plus strand): 5'-AGCCTGCTGGGAAACTCCCTCGTGATGCTGGTCATCTTATACAGCAGGGTCGGCCGCTCC[G>A]TCACTGATGTCTACCTGCTGAACCTAGCCTTGGCCGACCTACTCTTTGCCCTGACCTTGC-3'
Protein context (NP_001548.1, residues 72-92): VILYSRVGRS[Val82Ile]TDVYLLNLAL

ClinVar aggregate classification (germline): Uncertain significance (1 of 4 stars; one submission).

Allele frequency attached by ClinVar (database versions not stated): ExAC 0.00002; TOPMed 0.00002; gnomAD exomes 0.00003; gnomAD 0.00005.
gnomAD v4.1: 41 of 1,614,058 alleles (0.0025%); highest among the groups gnomAD compares: Admixed American, 0.013%; no homozygotes.

Submission:

Labcorp Genetics (formerly Invitae), Labcorp
Classification: Uncertain significance. Last evaluated: 2025-01-06. Review status: criteria provided, single submitter. Criteria: Invitae Variant Classification Sherloc (09022015). Collection method: clinical testing. Allele origin: germline.
Comment: This sequence change replaces valine, which is neutral and non-polar, with isoleucine, which is neutral and non-polar, at codon 82 of the CXCR2 protein (p.Val82Ile). This variant is present in population databases (rs201754155, gnomAD 0.01%). This variant has not been reported in the literature in individuals affected with CXCR2-related conditions. ClinVar contains an entry for this variant (Variation ID: 1415798). An algorithm developed to predict the effect of missense changes on protein structure and function outputs the following: PolyPhen-2: "Benign". The isoleucine amino acid residue is found in multiple mammalian species, which suggests that this missense change does not adversely affect protein function. In summary, the available evidence is currently insufficient to determine the role of this variant in disease. Therefore, it has been classified as a Variant of Uncertain Significance.